The following is an entry in ClinVar:

NM_022787.4(NMNAT1):c.155G>T (p.Gly52Val)

Gene: NMNAT1 (nicotinamide nucleotide adenylyltransferase 1; plus strand). Cytogenetic location: 1p36.22.
Variant type: single nucleotide variant.
Coding change: c.155G>T on transcript NM_022787.4 (MANE Select); coding-DNA position 155, G replaced by T.
Protein change: p.Gly52Val; replaces glycine 52 with valine.
Molecular consequence: missense variant.
Genome position (GRCh38, 1-based): chr1:9,975,631, G>T. VCF-style: chr1-9975631-G-T. GRCh37 (hg19) VCF-style: chr1-10035689-G-T.
Other names: c.155G>T, p.Gly52Val (NM_001297778.1, NM_001297779.2); short protein forms G52V.
Identifiers: ClinVar variation 438132 (VCV000438132.12), dbSNP rs768528387, ClinGen allele CA579169.

ClinVar aggregate classification (germline): Conflicting classifications of pathogenicity. Review status: criteria provided, conflicting classifications (1 of 4 stars). 4 submissions from 4 submitters: Likely pathogenic (1); Uncertain significance (2). 1 of the submissions does not count toward it. Last evaluated 2026-01-12.

Conditions:
Leber congenital amaurosis 9 (LCA9). Also called: LCA9 Leber Congenital Amaurosis; LCA 9; Amaurosis congenita of Leber, type 9. Identifiers: Orphanet 65, MedGen C1837873, MONDO:0012056, OMIM 608553.
Leber congenital amaurosis (LCA). Also called: Leber's amaurosis. Identifiers: Orphanet 65, MedGen C0339527, MeSH D057130, MONDO:0018998.
Cone-rod dystrophy. Also called: Cone-rod degeneration; Cone/cone-rod dystrophy. Identifiers: Orphanet 1872, MedGen C4085590, MONDO:0015993, HP:0000548.

Allele frequency attached by ClinVar (database versions not stated): gnomAD 0.00001; TOPMed 0.00002.
gnomAD v4.1: 16 of 1,613,748 alleles (0.00099%); highest among the groups gnomAD compares: Non-Finnish European, 0.0014%; no homozygotes.

Submissions (4):

Labcorp Genetics (formerly Invitae), Labcorp
Classification: Uncertain significance for Leber congenital amaurosis 9. Last evaluated: 2026-01-12. Review status: criteria provided, single submitter. Criteria: Invitae Variant Classification Sherloc (09022015). Collection method: clinical testing. Allele origin: germline.
Comment: This sequence change replaces glycine, which is neutral and non-polar, with valine, which is neutral and non-polar, at codon 52 of the NMNAT1 protein (p.Gly52Val). This variant is present in population databases (rs768528387, gnomAD 0.0009%). This missense change has been observed in individual(s) with inherited retinal disease and/or Leber congenital amaurosis (PMID: 28041643, 38219857). ClinVar contains an entry for this variant (Variation ID: 438132). Invitae Evidence Modeling of protein sequence and biophysical properties (such as structural, functional, and spatial information, amino acid conservation, physicochemical variation, residue mobility, and thermodynamic stability) has been performed for this missense variant. However, the output from this modeling did not meet the statistical confidence thresholds required to predict the impact of this variant on NMNAT1 protein function. This variant disrupts the p.Gly52 amino acid residue in NMNAT1. Other variant(s) that disrupt this residue have been observed in individuals with NMNAT1-related conditions (PMID: 28041643, 33749171; internal data), which suggests that this may be a clinically significant amino acid residue. In summary, the available evidence is currently insufficient to determine the role of this variant in disease. Therefore, it has been classified as a Variant of Uncertain Significance.

Blueprint Genetics
Classification: Uncertain significance. Last evaluated: 2022-03-01. Review status: criteria provided, single submitter. Criteria: ACMG Guidelines, 2015. Collection method: clinical testing. Allele origin: germline.

Cambridge Genomics Laboratory, East Genomic Laboratory Hub, NHS Genomic Medicine Service
Classification: Likely pathogenic for Cone-rod dystrophy. Last evaluated: 2020-03-27. Review status: criteria provided, single submitter. Criteria: ACGS Best Practice Guidelines for Variant Classification in Rare Disease 2020. Collection method: clinical testing. Allele origin: germline. Affected: yes. Observed: 1 variant allele.

NIHR Bioresource Rare Diseases, University of Cambridge
Classification: Likely pathogenic for Leber congenital amaurosis. Last evaluated: 2015-01-01. Review status: no assertion criteria provided. Collection method: research. Allele origin: unknown. Affected: yes. Observed: 1 variant allele. Not counted in ClinVar's aggregate classification.

Literature cited by the submitters: PubMed 28041643 (cited by Labcorp Genetics (formerly Invitae), Labcorp and NIHR Bioresource Rare Diseases, University of Cambridge); PubMed 38219857 (cited by Labcorp Genetics (formerly Invitae), Labcorp); PubMed 33749171 (cited by Labcorp Genetics (formerly Invitae), Labcorp).